The following is an entry in ClinVar:

NM_000112.4(SLC26A2):c.2068G>C (p.Val690Leu)

Gene: SLC26A2 (solute carrier family 26 member 2; plus strand). Cytogenetic location: 5q32.
Variant type: single nucleotide variant.
Coding change: c.2068G>C on transcript NM_000112.4 (MANE Select); coding-DNA position 2068, G replaced by C.
Protein change: p.Val690Leu; replaces valine 690 with leucine.
Molecular consequence: missense variant.
Genome position (GRCh38, 1-based): chr5:149,981,661, G>C. VCF-style: chr5-149981661-G-C. GRCh37 (hg19) VCF-style: chr5-149361224-G-C.
Other names: short protein forms V690L.
Identifiers: ClinVar variation 4791749 (VCV004791749.1).

ClinVar aggregate classification (germline): Uncertain significance (1 of 4 stars; one submission).

Conditions:
Diastrophic dysplasia (DTD). Also called: Diastrophic dwarfism. Identifiers: Orphanet 628, MedGen C0220726, MONDO:0009107, OMIM 222600.
Multiple epiphyseal dysplasia type 4 (EDM4). Also called: Multiple Epiphyseal Dysplasia, Recessive; MULTIPLE EPIPHYSEAL DYSPLASIA WITH BILAYERED PATELLAE; MULTIPLE EPIPHYSEAL DYSPLASIA WITH CLUBFOOT; MULTIPLE EPIPHYSEAL DYSPLASIA, AUTOSOMAL RECESSIVE; SLC26A2-Related Multiple Epiphyseal Dysplasia. Identifiers: Orphanet 93307, MedGen C1847593, MONDO:0009189, OMIM 226900.
Achondrogenesis, type IB (ACG1B). Also called: Achondrogenesis Type 1B. Identifiers: Orphanet 932, Orphanet 93298, MedGen C0265274, MONDO:0010966, OMIM 600972.
Atelosteogenesis type II (AO2). Also called: NEONATAL OSSEOUS DYSPLASIA I; SLC26A2-Related Atelosteogenesis; Neonatal osseous dysplasia 1. Identifiers: Orphanet 56304, MedGen C1850554, MONDO:0009727, OMIM 256050.

gnomAD v4.1: 2 of 1,613,610 alleles (0.00012%); highest among the groups gnomAD compares: African/African-American, 0.0027%; no homozygotes.

Submission:

Labcorp Genetics (formerly Invitae), Labcorp
Classification: Uncertain significance for Atelosteogenesis type II; Multiple epiphyseal dysplasia type 4; Achondrogenesis, type IB; Diastrophic dysplasia. Last evaluated: 2025-01-30. Review status: criteria provided, single submitter. Criteria: Invitae Variant Classification Sherloc (09022015). Collection method: clinical testing. Allele origin: germline.
Comment: This sequence change replaces valine, which is neutral and non-polar, with leucine, which is neutral and non-polar, at codon 690 of the SLC26A2 protein (p.Val690Leu). This variant is present in population databases (rs746291695, gnomAD 0.01%). This variant has not been reported in the literature in individuals affected with SLC26A2-related conditions. Invitae Evidence Modeling of protein sequence and biophysical properties (such as structural, functional, and spatial information, amino acid conservation, physicochemical variation, residue mobility, and thermodynamic stability) indicates that this missense variant is not expected to disrupt SLC26A2 protein function with a negative predictive value of 80%. In summary, the available evidence is currently insufficient to determine the role of this variant in disease. Therefore, it has been classified as a Variant of Uncertain Significance.